The following is an entry in ClinVar:

NM_001123385.2(BCOR):c.1078C>T (p.His360Tyr)

Genes: BCOR (BCL6 corepressor; minus strand), LOC126863239 (MED14-independent group 3 enhancer GRCh37_chrX:39932994-39934193; plus strand). Cytogenetic location: Xp11.4.
Variant type: single nucleotide variant.
Coding change: c.1078C>T on transcript NM_001123385.2 (MANE Select); coding-DNA position 1078, C replaced by T.
Protein change: p.His360Tyr; replaces histidine 360 with tyrosine.
Molecular consequence: missense variant.
Genome position (GRCh38, 1-based): chrX:40,074,268, G>A on the plus strand (C>T on the coding strand, the complement: BCOR is on the minus strand). VCF-style: chrX-40074268-G-A. GRCh37 (hg19) VCF-style: chrX-39933521-G-A.
Other names: c.1078C>T, p.His360Tyr (NM_001123383.2, NM_001123384.2, NM_017745.6); short protein forms H360Y.
Identifiers: ClinVar variation 1337408 (VCV001337408.8), dbSNP rs1313448533, ClinGen allele CA412747361.

ClinVar aggregate classification (germline): Uncertain significance. Review status: criteria provided, multiple submitters, no conflicts (2 of 4 stars). 3 submissions from 3 submitters: Uncertain significance (3). Last evaluated 2023-10-10.

Conditions:
Microphthalmia, syndromic 1 (MCOPS1). Also called: ANOP1. Identifiers: Orphanet 568, Orphanet 85275, MedGen C0796016, MONDO:0010671, OMIM 309800.
Oculofaciocardiodental syndrome (MCOPS2). Identifiers: Orphanet 2712, MedGen C1846265, MONDO:0010261, OMIM 300166.

Allele frequency attached by ClinVar (database versions not stated): gnomAD 0.00002; gnomAD exomes 0.00002; TOPMed 0.00002.

Submissions (3):

Labcorp Genetics (formerly Invitae), Labcorp
Classification: Uncertain significance for Oculofaciocardiodental syndrome. Last evaluated: 2023-10-10. Review status: criteria provided, single submitter. Criteria: Invitae Variant Classification Sherloc (09022015). Collection method: clinical testing. Allele origin: germline.
Comment: This sequence change replaces histidine, which is basic and polar, with tyrosine, which is neutral and polar, at codon 360 of the BCOR protein (p.His360Tyr). This variant is not present in population databases (gnomAD no frequency). This variant has not been reported in the literature in individuals affected with BCOR-related conditions. ClinVar contains an entry for this variant (Variation ID: 1337408). An algorithm developed to predict the effect of missense changes on protein structure and function (PolyPhen-2) suggests that this variant is likely to be disruptive. In summary, the available evidence is currently insufficient to determine the role of this variant in disease. Therefore, it has been classified as a Variant of Uncertain Significance.

Fulgent Genetics
Classification: Uncertain significance for Oculofaciocardiodental syndrome; Microphthalmia, syndromic 1. Last evaluated: 2021-08-04. Review status: criteria provided, single submitter. Criteria: ACMG Guidelines, 2015. Collection method: clinical testing. Allele origin: unknown.

Genetic Services Laboratory, University of Chicago
Classification: Uncertain significance. Last evaluated: 2019-10-30. Review status: criteria provided, single submitter. Criteria: ACMG Guidelines, 2015. Collection method: clinical testing. Allele origin: germline. Affected: no.